The following is an entry in ClinVar:

ClinVar aggregate classification (germline): Uncertain significance (1 of 4 stars; one submission).

Conditions:
Jeune thoracic dystrophy. Also called: Jeune syndrome; Infantile thoracic dystrophy; Thoracic pelvic phalangeal dystrophy; Jeune's syndrome; Chondroectodermal dysplasia-like syndrome; Short-rib thoracic dysplasia. Identifiers: Orphanet 474, MedGen C0265275, MONDO:0018770.

Allele frequency attached by ClinVar (database versions not stated): TOPMed below 0.00001.

Submission:

Labcorp Genetics (formerly Invitae), Labcorp
Classification: Uncertain significance for Jeune thoracic dystrophy. Last evaluated: 2021-11-23. Review status: criteria provided, single submitter. Criteria: Invitae Variant Classification Sherloc (09022015). Collection method: clinical testing. Allele origin: germline.
Comment: This sequence change replaces serine, which is neutral and polar, with alanine, which is neutral and non-polar, at codon 258 of the DYNC2H1 protein (p.Ser258Ala). This variant is not present in population databases (gnomAD no frequency). This variant has not been reported in the literature in individuals affected with DYNC2H1-related conditions. Advanced modeling of protein sequence and biophysical properties (such as structural, functional, and spatial information, amino acid conservation, physicochemical variation, residue mobility, and thermodynamic stability) performed at Invitae indicates that this missense variant is not expected to disrupt DYNC2H1 protein function. In summary, the available evidence is currently insufficient to determine the role of this variant in disease. Therefore, it has been classified as a Variant of Uncertain Significance.

NM_001377.3(DYNC2H1):c.772T>G (p.Ser258Ala)

Gene: DYNC2H1 (dynein cytoplasmic 2 heavy chain 1; plus strand). Cytogenetic location: 11q22.3.
Variant type: single nucleotide variant.
Coding change: c.772T>G on transcript NM_001377.3 (MANE Select); coding-DNA position 772, T replaced by G.
Protein change: p.Ser258Ala; replaces serine 258 with alanine.
Molecular consequence: missense variant.
Genome position (GRCh38, 1-based): chr11:103,117,636, T>G. VCF-style: chr11-103117636-T-G. GRCh37 (hg19) VCF-style: chr11-102988365-T-G.
Other names: c.772T>G, p.Ser258Ala (NM_001080463.2); short protein forms S258A.
Identifiers: ClinVar variation 1426904 (VCV001426904.3), dbSNP rs1858479782, ClinGen allele CA382247605.